The following is an entry in ClinVar:

NM_000045.4(ARG1):c.787G>A (p.Glu263Lys)

Genes: ARG1 (arginase 1; plus strand), MED23 (mediator complex subunit 23; minus strand). Cytogenetic location: 6q23.2.
Variant type: single nucleotide variant.
Coding change: c.787G>A on transcript NM_000045.4 (MANE Select); coding-DNA position 787, G replaced by A.
Protein change: p.Glu263Lys; replaces glutamic acid 263 with lysine.
Molecular consequence: missense variant. On other transcripts: non-coding transcript variant (1), intron variant (2).
Genome position (GRCh38, 1-based): chr6:131,583,476, G>A. VCF-style: chr6-131583476-G-A. GRCh37 (hg19) VCF-style: chr6-131904616-G-A.
Other names: c.811G>A, p.Glu271Lys (NM_001244438.2); c.532G>A, p.Glu178Lys (NM_001369020.1); c.4077+4233C>T (NM_001270521.2); c.4095+4233C>T (NM_015979.4); short protein forms E178K, E263K, E271K.
Identifiers: ClinVar variation 2167880 (VCV002167880.1), dbSNP rs747579073, ClinGen allele CA3999365.

ClinVar aggregate classification (germline): Uncertain significance (1 of 4 stars; one submission).

Conditions:
Arginase deficiency. Also called: Arginase 1 Deficiency; ARGININEMIA; ARG1 DEFICIENCY. Identifiers: Orphanet 90, MedGen C0268548, MONDO:0008814, OMIM 207800.

Allele frequency attached by ClinVar (database versions not stated): ExAC 0.00001; gnomAD exomes 0.00001.
gnomAD v4.1: 15 of 1,614,092 alleles (0.00093%); highest among the groups gnomAD compares: African/African-American, 0.0013%; no homozygotes.

Submission:

Labcorp Genetics (formerly Invitae), Labcorp
Classification: Uncertain significance for Arginase deficiency. Last evaluated: 2022-02-22. Review status: criteria provided, single submitter. Criteria: Invitae Variant Classification Sherloc (09022015). Collection method: clinical testing. Allele origin: germline.
Comment: This sequence change replaces glutamic acid, which is acidic and polar, with lysine, which is basic and polar, at codon 263 of the ARG1 protein (p.Glu263Lys). This variant is present in population databases (rs747579073, gnomAD 0.002%). This variant has not been reported in the literature in individuals affected with ARG1-related conditions. Algorithms developed to predict the effect of missense changes on protein structure and function (SIFT, PolyPhen-2, Align-GVGD) all suggest that this variant is likely to be tolerated. In summary, the available evidence is currently insufficient to determine the role of this variant in disease. Therefore, it has been classified as a Variant of Uncertain Significance.